The following is an entry in ClinVar:

NM_001277115.2(DNAH11):c.2491C>T (p.Gln831Ter)

Gene: DNAH11 (dynein axonemal heavy chain 11; plus strand). Cytogenetic location: 7p15.3.
Variant type: single nucleotide variant.
Coding change: c.2491C>T on transcript NM_001277115.2 (MANE Select); coding-DNA position 2491, C replaced by T.
Protein change: p.Gln831Ter; replaces glutamine 831 with a stop codon.
Molecular consequence: nonsense.
Genome position (GRCh38, 1-based): chr7:21,591,401, C>T. VCF-style: chr7-21591401-C-T. GRCh37 (hg19) VCF-style: chr7-21631019-C-T.
Other names: c.2491C>T, p.Gln831Ter (NM_003777.3); short protein forms Q831*.
Identifiers: ClinVar variation 2734974 (VCV002734974.3), dbSNP rs753129819, ClinGen allele CA366942817.
Genomic context (GRCh38, chr7:21,591,401, plus strand): 5'-GGCTACATCGAGAGGGTGAGGGCAGCCACGTCCGAGTTGGAGCACAGAGTTGAGCGCACA[C>T]AGAAAAACGTGAAGGTGATCCAGCAGACCATGAGGGGCTGGGCCAGGTGCGTGCTACCTC-3'

ClinVar aggregate classification (germline): Pathogenic (1 of 4 stars; one submission).

Conditions:
Primary ciliary dyskinesia. Also called: Ciliary dyskinesia. Identifiers: Orphanet 244, MedGen C0008780, MONDO:0016575, HP:0012265.

Submission:

Labcorp Genetics (formerly Invitae), Labcorp
Classification: Pathogenic for Primary ciliary dyskinesia. Last evaluated: 2024-11-13. Review status: criteria provided, single submitter. Criteria: Invitae Variant Classification Sherloc (09022015). Collection method: clinical testing. Allele origin: germline.
Comment: This sequence change creates a premature translational stop signal (p.Gln831*) in the DNAH11 gene. It is expected to result in an absent or disrupted protein product. Loss-of-function variants in DNAH11 are known to be pathogenic (PMID: 18022865, 20513915, 22184204). This variant is not present in population databases (gnomAD no frequency). This premature translational stop signal has been observed in individual(s) with primary ciliary dyskinesia (PMID: 23891469). ClinVar contains an entry for this variant (Variation ID: 2734974). For these reasons, this variant has been classified as Pathogenic.

Literature cited by the submitters: PubMed 18022865; PubMed 20513915; PubMed 22184204; PubMed 23891469.